The following is an entry in ClinVar:

NM_032383.5(HPS3):c.2481+1G>A

Genes: CP (ceruloplasmin; minus strand), HPS3 (HPS3 biogenesis of lysosomal organelles complex 2 subunit 1; plus strand). Cytogenetic location: 3q24.
Variant type: single nucleotide variant.
Coding change: c.2481+1G>A on transcript NM_032383.5 (MANE Select); the canonical splice donor site of the intron after coding-DNA position 2481, G replaced by A.
Molecular consequence: splice donor variant.
Genome position (GRCh38, 1-based): chr3:149,162,879, G>A. VCF-style: chr3-149162879-G-A. GRCh37 (hg19) VCF-style: chr3-148880666-G-A.
Other names: c.1986+1G>A (NM_001308258.2).
Identifiers: ClinVar variation 2987118 (VCV002987118.3), dbSNP rs2473124798, ClinGen allele CA354924655.

ClinVar aggregate classification (germline): Likely pathogenic (1 of 4 stars; one submission).

Submission:

Labcorp Genetics (formerly Invitae), Labcorp
Classification: Likely pathogenic. Last evaluated: 2023-12-25. Review status: criteria provided, single submitter. Criteria: Invitae Variant Classification Sherloc (09022015). Collection method: clinical testing. Allele origin: germline.
Comment: This sequence change affects a donor splice site in intron 13 of the HPS3 gene. It is expected to disrupt RNA splicing. Variants that disrupt the donor or acceptor splice site typically lead to a loss of protein function (PMID: 16199547), and loss-of-function variants in HPS3 are known to be pathogenic (PMID: 11590544). This variant is not present in population databases (gnomAD no frequency). This variant has not been reported in the literature in individuals affected with HPS3-related conditions. Algorithms developed to predict the effect of sequence changes on RNA splicing suggest that this variant may disrupt the consensus splice site. In summary, the currently available evidence indicates that the variant is pathogenic, but additional data are needed to prove that conclusively. Therefore, this variant has been classified as Likely Pathogenic.

Literature cited by the submitters: PubMed 16199547; PubMed 11590544.